The following is an entry in ClinVar:

ClinVar aggregate classification (germline): Uncertain significance (1 of 4 stars; one submission).

Conditions:
Familial thoracic aortic aneurysm and aortic dissection (TAAD). Also called: Thoracic aortic aneurysms and dissections. Identifiers: Orphanet 91387, MedGen C4707243, MONDO:0019625.

Submission:

Ambry Genetics
Classification: Uncertain significance for Familial thoracic aortic aneurysm and aortic dissection. Last evaluated: 2021-09-21. Review status: criteria provided, single submitter. Criteria: Ambry Variant Classification Scheme 2023. Collection method: clinical testing. Allele origin: germline.
Comment: The p.G494C variant (also known as c.1480G>T), located in coding exon 8 of the MYLK gene, results from a G to T substitution at nucleotide position 1480. The glycine at codon 494 is replaced by cysteine, an amino acid with highly dissimilar properties. This amino acid position is conserved. In addition, the in silico prediction for this alteration is inconclusive. Since supporting evidence is limited at this time, the clinical significance of this alteration remains unclear.

NM_053025.4(MYLK):c.1480G>T (p.Gly494Cys)

Gene: MYLK (myosin light chain kinase; minus strand). Cytogenetic location: 3q21.1.
Variant type: single nucleotide variant.
Coding change: c.1480G>T on transcript NM_053025.4 (MANE Select); coding-DNA position 1480, G replaced by T.
Protein change: p.Gly494Cys; replaces glycine 494 with cysteine.
Molecular consequence: missense variant. On other transcripts: intron variant (2).
Genome position (GRCh38, 1-based): chr3:123,732,932, C>A on the plus strand (G>T on the coding strand, the complement: MYLK is on the minus strand). VCF-style: chr3-123732932-C-A. GRCh37 (hg19) VCF-style: chr3-123451779-C-A.
Other names: c.952G>T, p.Gly318Cys (NM_001321309.2); c.1480G>T, p.Gly494Cys (NM_053027.4); c.1309+755G>T (NM_053028.4, NM_053026.4); short protein forms G318C, G494C.
Identifiers: ClinVar variation 1773564 (VCV001773564.2), dbSNP rs1002989047, ClinGen allele CA354237687.
Genomic context (GRCh38, chr3:123,732,932, plus strand): 5'-GGTGACCTGGAGAAGTGTACTCACTTTCCACTTGGAGGGTCCAGCTACAGGACAGCTGGC[C>A]TTGGGCGTTGGAAGCAGTGCAGCTGTATGTCCCACTGTCCCTGGTCCGGGCTTTCAGCAG-3'
Protein context (NP_444253.3, residues 484-504): TYSCTASNAQ[Gly494Cys]QLSCSWTLQV